The following is an entry in ClinVar:

NM_014625.4(NPHS2):c.873+2T>A

Genes: AXDND1 (axonemal dynein light chain domain containing 1; plus strand), NPHS2 (NPHS2 stomatin family member, podocin; minus strand). Cytogenetic location: 1q25.2.
Variant type: single nucleotide variant.
Coding change: c.873+2T>A on transcript NM_014625.4 (MANE Select); the canonical splice donor site of the intron after coding-DNA position 873, T replaced by A.
Molecular consequence: splice donor variant. On other transcripts: intron variant (1).
Genome position (GRCh38, 1-based): chr1:179,552,601, A>T on the plus strand (T>A on the coding strand, the complement: NPHS2 is on the minus strand). VCF-style: chr1-179552601-A-T. GRCh37 (hg19) VCF-style: chr1-179521736-A-T.
Other names: c.3032-1911A>T (NM_144696.6); c.669+2T>A (NM_001297575.2).
Identifiers: ClinVar variation 552884 (VCV000552884.15), dbSNP rs967339926, ClinGen allele CA33694030.
Genomic context (GRCh38, chr1:179,552,601, plus strand): 5'-AAATGTTCTCCACGAGCAGGCCTTCCTAAAGGGCAGTCTGGGTGGGAGGATGGAGTGCTC[A>T]CCCGCACTTTGGCTTGTCTTTGCGCTTCAGCCTCCACAGCCAGTGAGTGCTGAAGCCCAG-3'

ClinVar aggregate classification (germline): Pathogenic/Likely pathogenic. Review status: criteria provided, multiple submitters, no conflicts (2 of 4 stars). 5 submissions from 5 submitters: Pathogenic (3); Likely pathogenic (1). 1 of the submissions does not count toward it. Last evaluated 2025-08-26.

Conditions:
Nephrotic syndrome, type 2 (NPHS2). Also called: NEPHROTIC SYNDROME, STEROID-RESISTANT, AUTOSOMAL RECESSIVE. Identifiers: Orphanet 656, MedGen C1868672, MONDO:0010974, OMIM 600995.
Steroid-resistant nephrotic syndrome. Identifiers: MedGen C0403397, MONDO:0044765, HP:0012588.

Allele frequency attached by ClinVar (database versions not stated): gnomAD exomes below 0.00001; gnomAD 0.00001; TOPMed 0.00001.
gnomAD v4.1: 3 of 1,612,294 alleles (0.00019%); highest among the groups gnomAD compares: Non-Finnish European, 0.00025%; no homozygotes.

Submissions (5):

Labcorp Genetics (formerly Invitae), Labcorp
Classification: Pathogenic. Last evaluated: 2025-08-26. Review status: criteria provided, single submitter. Criteria: Invitae Variant Classification Sherloc (09022015). Collection method: clinical testing. Allele origin: germline.
Comment: This sequence change affects a donor splice site in intron 7 of the NPHS2 gene. While this variant is not anticipated to result in nonsense mediated decay, it likely alters RNA splicing and results in a disrupted protein product. This variant is not present in population databases (gnomAD no frequency). Disruption of this splice site has been observed in individuals with nephrotic syndrome (PMID: 14978175, 23645318, 24509478, 26668027). ClinVar contains an entry for this variant (Variation ID: 552884). Variants that disrupt the consensus splice site are a relatively common cause of aberrant splicing (PMID: 17576681, 9536098). Algorithms developed to predict the effect of sequence changes on RNA splicing suggest that this variant may disrupt the consensus splice site. For these reasons, this variant has been classified as Pathogenic.

Natera, Inc.
Classification: Pathogenic for Steroid-resistant nephrotic syndrome. Last evaluated: 2025-04-14. Review status: criteria provided, single submitter. Criteria: Natera Variant Classification Schema (03/2026). Collection method: clinical testing. Allele origin: germline.
Comment: The c.873+2T>A variant in NPHS2 is a canonical splice donor site variant predicted to affect pre-mRNA splicing, which may result in an abnormal transcript and altered protein product. This variant is expected to result in nonsense mediated decay, truncation, or a dysfunctional protein product. This variant is rare in the general population with a frequency below the threshold expected for the associated phenotype(s). This variant has been observed in one or more individuals affected with the associated recessive disease, as either homozygous or compound heterozygous with a second variant (PMID: 14978175, 38765578). Given the available evidence, this variant is classified as Pathogenic.

Genome-Nilou Lab
Classification: Likely pathogenic for Nephrotic syndrome, type 2. Last evaluated: 2023-04-11. Review status: criteria provided, single submitter. Criteria: ACMG Guidelines, 2015. Collection method: clinical testing. Allele origin: germline. Affected: no.

Women's Health and Genetics/Laboratory Corporation of America, LabCorp
Classification: Pathogenic for Idiopathic nephrotic syndrome. Last evaluated: 2021-05-21. Review status: criteria provided, single submitter. Criteria: LabCorp Variant Classification Summary - May 2015. Collection method: clinical testing. Allele origin: germline.
Comment: Variant summary: NPHS2 c.873+2T>A is located in a canonical splice-site and is predicted to affect mRNA splicing resulting in a significantly altered protein due to either exon skipping, shortening, or inclusion of intronic material. Several computational tools predict a significant impact on normal splicing: Four predict that the variant abolishes a 5-prime splicing donor site. However, these predictions have yet to be confirmed by functional studies. The variant was absent in 249820 control chromosomes. c.873+2T>A has been reported in the literature in individuals affected with Nephrotic Syndrome, Type 2 (e.g. Ruff_2004, Buscher_2016). These data indicate that the variant is likely to be associated with disease. To our knowledge, no experimental evidence demonstrating an impact on protein function has been reported. Two other clinical diagnostic laboratories have submitted clinical-significance assessments for this variant to ClinVar after 2014 without evidence for independent evaluation. Both laboratories cited the variant as pathogenic/likely pathogenic. Based on the evidence outlined above, the variant was classified as pathogenic.

Counsyl
Classification: Likely pathogenic for Nephrotic syndrome, type 2. Last evaluated: 2017-07-14. Review status: no assertion criteria provided. Collection method: clinical testing. Allele origin: unknown. Not counted in ClinVar's aggregate classification.

Literature cited by the submitters: PubMed 14978175 (cited by 3 submitters); PubMed 23645318 (cited by Labcorp Genetics (formerly Invitae), Labcorp); PubMed 24509478 (cited by Labcorp Genetics (formerly Invitae), Labcorp and Women's Health and Genetics/Laboratory Corporation of America, LabCorp); PubMed 26668027 (cited by 3 submitters); PubMed 17576681 (cited by Labcorp Genetics (formerly Invitae), Labcorp); PubMed 9536098 (cited by Labcorp Genetics (formerly Invitae), Labcorp); PubMed 38765578 (cited by Natera, Inc.); PubMed 24227627 (cited by Women's Health and Genetics/Laboratory Corporation of America, LabCorp); PubMed 18216321 (cited by Women's Health and Genetics/Laboratory Corporation of America, LabCorp); PubMed 25525159 (cited by Counsyl).